The following is an entry in ClinVar:

NM_000051.4(ATM):c.9090A>G (p.Gly3030=)

Genes: ATM (ATM serine/threonine kinase; plus strand), C11orf65 (chromosome 11 open reading frame 65; minus strand). Cytogenetic location: 11q22.3.
Variant type: single nucleotide variant.
Coding change: c.9090A>G on transcript NM_000051.4 (MANE Select); coding-DNA position 9090, A replaced by G.
Protein change: p.Gly3030=; no amino-acid change (glycine 3030 retained).
Molecular consequence: synonymous variant. On other transcripts: intron variant (2).
Genome position (GRCh38, 1-based): chr11:108,365,427, A>G. VCF-style: chr11-108365427-A-G. GRCh37 (hg19) VCF-style: chr11-108236154-A-G.
Other names: c.9090A>G, p.Gly3030= (NM_001351834.2); c.640+20493T>C (NM_001330368.2); c.694+20493T>C (NM_001351110.2).
Identifiers: ClinVar variation 3253749 (VCV003253749.2), dbSNP rs2137919698.

ClinVar aggregate classification (germline): Benign/Likely benign. Review status: criteria provided, multiple submitters, no conflicts (2 of 4 stars). 3 submissions from 3 submitters: Benign (1); Likely benign (2). Last evaluated 2025-08-12.

Conditions:
Hereditary cancer-predisposing syndrome. Also called: Tumor predisposition; Hereditary Cancer Syndrome; Hereditary neoplastic syndrome; Neoplastic Syndromes, Hereditary. Identifiers: Orphanet 140162, MedGen C0027672, MeSH D009386, MONDO:0015356.
Ataxia-telangiectasia syndrome (AT). Also called: AT, COMPLEMENTATION GROUP C; Ataxia-telangiectasia, complementation group D; ATAXIA-TELANGIECTASIA, COMPLEMENTATION GROUP A; ATAXIA-TELANGIECTASIA, FRESNO VARIANT; Ataxia-telangiectasia; Ataxia-telangiectasia, complementation group E. Identifiers: Orphanet 100, MedGen C0004135, MONDO:0008840, OMIM 208900.
Familial cancer of breast. Also called: hereditary breast carcinoma; BREAST CANCER, FAMILIAL; Hereditary breast cancer. Identifiers: Orphanet 227535, MedGen C0346153, MONDO:0016419, OMIM 114480. Disease mechanism: loss of function.

Submissions (3):

Ambry Genetics
Classification: Likely benign for Hereditary cancer-predisposing syndrome. Last evaluated: 2025-08-12. Review status: criteria provided, single submitter. Criteria: Ambry Variant Classification Scheme 2023. Collection method: clinical testing. Allele origin: germline.

Labcorp Genetics (formerly Invitae), Labcorp
Classification: Likely benign for Ataxia-telangiectasia syndrome. Last evaluated: 2025-05-19. Review status: criteria provided, single submitter. Criteria: Invitae Variant Classification Sherloc (09022015). Collection method: clinical testing. Allele origin: germline.

Myriad Genetics, Inc.
Classification: Benign for Familial cancer of breast. Last evaluated: 2024-06-24. Review status: criteria provided, single submitter. Criteria: Myriad Autosomal Dominant, Autosomal Recessive and X-Linked Classification Criteria (2023). Collection method: clinical testing. Allele origin: unknown.
Comment: This variant is considered benign. This variant is a silent/synonymous amino acid change and it is not expected to impact splicing.